The following is an entry in ClinVar:

NM_000179.3(MSH6):c.1530G>A (p.Arg510=)

Gene: MSH6 (mutS homolog 6; plus strand). Cytogenetic location: 2p16.3.
Variant type: single nucleotide variant.
Coding change: c.1530G>A on transcript NM_000179.3 (MANE Select); coding-DNA position 1530, G replaced by A.
Protein change: p.Arg510=; no amino-acid change (arginine 510 retained).
Molecular consequence: synonymous variant.
Genome position (GRCh38, 1-based): chr2:47,799,513, G>A. VCF-style: chr2-47799513-G-A. GRCh37 (hg19) VCF-style: chr2-48026652-G-A.
Other names: c.1140G>A, p.Arg380= (NM_001281492.2); c.624G>A, p.Arg208= (NM_001281493.2, NM_001281494.2).
Identifiers: ClinVar variation 416174 (VCV000416174.22), dbSNP rs1060504758, ClinGen allele CA16610888.

ClinVar aggregate classification (germline): Benign/Likely benign. Review status: criteria provided, multiple submitters, no conflicts (2 of 4 stars). 6 submissions from 6 submitters: Benign (1); Likely benign (5). Last evaluated 2026-01-05.

Conditions:
Hereditary nonpolyposis colorectal neoplasms. Identifiers: MedGen C0009405, MeSH D003123.
Hereditary cancer-predisposing syndrome. Also called: Tumor predisposition; Neoplastic Syndromes, Hereditary; Hereditary neoplastic syndrome; Hereditary Cancer Syndrome. Identifiers: Orphanet 140162, MedGen C0027672, MeSH D009386, MONDO:0015356.
Lynch syndrome. Identifiers: Orphanet 144, MedGen C4552100, MONDO:0005835. Disease mechanism: loss of function.
Lynch syndrome 5 (LYNCH5). Also called: Colorectal cancer, hereditary nonpolyposis, type 5; Hereditary non-polyposis colorectal cancer, type 5. Identifiers: Orphanet 144, MedGen C1833477, MONDO:0013710, OMIM 614350. Disease mechanism: loss of function.

Allele frequency attached by ClinVar (database versions not stated): gnomAD exomes below 0.00001; TOPMed below 0.00001; gnomAD 0.00001.

Submissions (6):

Labcorp Genetics (formerly Invitae), Labcorp
Classification: Likely benign for Hereditary nonpolyposis colorectal neoplasms. Last evaluated: 2026-01-05. Review status: criteria provided, single submitter. Criteria: Invitae Variant Classification Sherloc (09022015). Collection method: clinical testing. Allele origin: germline.

Myriad Genetics, Inc.
Classification: Benign for Lynch syndrome 5. Last evaluated: 2024-12-26. Review status: criteria provided, single submitter. Criteria: Myriad Autosomal Dominant, Autosomal Recessive and X-Linked Classification Criteria (2023). Collection method: clinical testing. Allele origin: unknown.
Comment: This variant is considered benign. This variant is a silent/synonymous amino acid change and it is not expected to impact splicing.

All of Us Research Program, National Institutes of Health
Classification: Likely benign for Lynch syndrome. Last evaluated: 2023-12-01. Review status: criteria provided, single submitter. Criteria: ACMG Guidelines, 2015. Collection method: clinical testing. Allele origin: germline. Inheritance: Autosomal dominant inheritance. Observed: 3 variant alleles, 3 heterozygotes.
Comment: This study involves interpretation of variants in research participants for the purpose of population health screening. Participant phenotype was not available at the time of variant classification. Additional details can be found in publication PMID: 35346344, PMCID: PMC8962531

GeneDx
Classification: Likely benign. Last evaluated: 2019-01-04. Review status: criteria provided, single submitter. Criteria: GeneDx Variant Classification Process June 2021. Collection method: clinical testing. Allele origin: germline. Affected: yes.

Color Diagnostics, LLC DBA Color Health
Classification: Likely benign for Hereditary cancer-predisposing syndrome. Last evaluated: 2016-10-11. Review status: criteria provided, single submitter. Criteria: ACMG Guidelines, 2015. Collection method: clinical testing. Allele origin: germline.

Ambry Genetics
Classification: Likely benign for Hereditary cancer-predisposing syndrome. Last evaluated: 2016-08-12. Review status: criteria provided, single submitter. Criteria: Ambry Variant Classification Scheme 2023. Collection method: clinical testing. Allele origin: germline.